The following is an entry in ClinVar:

ClinVar aggregate classification (germline): Uncertain significance (1 of 4 stars; one submission).

Conditions:
Ehlers-Danlos syndrome, type 4 (EDSVASC). Also called: Ehlers-Danlos Syndrome Type IV; Ehlers-Danlos syndrome vascular type; Ehlers Danlos syndrome, ecchymotic type; Ehlers Danlos syndrome, arterial type; Ehlers Danlos syndrome, Sack-Barabas type. Identifiers: Orphanet 286, MedGen C0268338, MONDO:0017314, OMIM 130050.

Submission:

Labcorp Genetics (formerly Invitae), Labcorp
Classification: Uncertain significance for Ehlers-Danlos syndrome, type 4. Last evaluated: 2023-02-24. Review status: criteria provided, single submitter. Criteria: Invitae Variant Classification Sherloc (09022015). Collection method: clinical testing. Allele origin: germline.
Comment: This variant is not present in population databases (gnomAD no frequency). In summary, the available evidence is currently insufficient to determine the role of this variant in disease. Therefore, it has been classified as a Variant of Uncertain Significance. Advanced modeling of protein sequence and biophysical properties (such as structural, functional, and spatial information, amino acid conservation, physicochemical variation, residue mobility, and thermodynamic stability) performed at Invitae indicates that this missense variant is not expected to disrupt COL3A1 protein function. This variant has not been reported in the literature in individuals affected with COL3A1-related conditions. This sequence change replaces alanine, which is neutral and non-polar, with valine, which is neutral and non-polar, at codon 439 of the COL3A1 protein (p.Ala439Val).

NM_000090.4(COL3A1):c.1316C>T (p.Ala439Val)

Gene: COL3A1 (collagen type III alpha 1 chain; plus strand). Cytogenetic location: 2q32.2.
Variant type: single nucleotide variant.
Coding change: c.1316C>T on transcript NM_000090.4 (MANE Select); coding-DNA position 1316, C replaced by T.
Protein change: p.Ala439Val; replaces alanine 439 with valine.
Molecular consequence: missense variant.
Genome position (GRCh38, 1-based): chr2:188,994,563, C>T. VCF-style: chr2-188994563-C-T. GRCh37 (hg19) VCF-style: chr2-189859289-C-T.
Other names: short protein forms A439V.
Identifiers: ClinVar variation 3012259 (VCV003012259.3), dbSNP rs1209806133, ClinGen allele CA349851659.